The following is an entry in ClinVar:

NM_000310.4(PPT1):c.799-330C>A

Gene: PPT1 (palmitoyl-protein thioesterase 1; minus strand). Cytogenetic location: 1p34.2.
Variant type: single nucleotide variant.
Coding change: c.799-330C>A on transcript NM_000310.4 (MANE Select); 330 bases into the intron before coding-DNA position 799, C replaced by A.
Molecular consequence: intron variant.
Genome position (GRCh38, 1-based): chr1:40,074,513, G>T on the plus strand (C>A on the coding strand, the complement: PPT1 is on the minus strand). VCF-style: chr1-40074513-G-T. GRCh37 (hg19) VCF-style: chr1-40540185-G-T.
Other names: c.490-330C>A (NM_001142604.2); c.727-330C>A (NM_001363695.2).
Identifiers: ClinVar variation 671072 (VCV000671072.1), dbSNP rs6698184, ClinGen allele CA10722680.

ClinVar aggregate classification (germline): Benign (1 of 4 stars; one submission).

Allele frequency attached by ClinVar (database versions not stated): TOPMed 0.11201; gnomAD 0.11752 and 0.12059; 1000 Genomes Project 30x 0.14959; 1000 Genomes Project 0.14976.
gnomAD v4.1: 17,152 of 143,042 alleles (12%); highest among the groups gnomAD compares: South Asian, 20%; 1,137 homozygotes.

Submission:

GeneDx
Classification: Benign. Last evaluated: 2018-06-14. Review status: criteria provided, single submitter. Criteria: GeneDx Variant Classification (06012015). Collection method: clinical testing. Allele origin: germline. Affected: yes.
Comment: This variant is considered likely benign or benign based on one or more of the following criteria: it is a conservative change, it occurs at a poorly conserved position in the protein, it is predicted to be benign by multiple in silico algorithms, and/or has population frequency not consistent with disease.